The following is an entry in ClinVar:

NM_014425.5(INVS):c.648G>A (p.Trp216Ter)

Gene: INVS (inversin; plus strand). Cytogenetic location: 9q31.1.
Variant type: single nucleotide variant.
Coding change: c.648G>A on transcript NM_014425.5 (MANE Select); coding-DNA position 648, G replaced by A.
Protein change: p.Trp216Ter; replaces tryptophan 216 with a stop codon.
Molecular consequence: nonsense. On other transcripts: 5 prime UTR variant (1), non-coding transcript variant (1).
Genome position (GRCh38, 1-based): chr9:100,240,092, G>A. VCF-style: chr9-100240092-G-A. GRCh37 (hg19) VCF-style: chr9-103002374-G-A.
Other names: c.360G>A, p.Trp120Ter (NM_001318381.2); c.-342G>A (NM_001318382.2); short protein forms W120*, W216*.
Identifiers: ClinVar variation 2779386 (VCV002779386.4), dbSNP rs1831817207, ClinGen allele CA374361531.

ClinVar aggregate classification (germline): Pathogenic. Review status: criteria provided, multiple submitters, no conflicts (2 of 4 stars). 2 submissions from 2 submitters: Pathogenic (2). Last evaluated 2024-06-22.

Conditions:
Nephronophthisis. Also called: Juvenile Nephronophthisis. Identifiers: Orphanet 655, MedGen C0687120, MONDO:0019005, HP:0000090.
Infantile nephronophthisis (NPHP2). Also called: Nephronophthisis 2; Nephronophthisis 2, infantile. Identifiers: Orphanet 655, Orphanet 93591, MedGen C1865872, MONDO:0011190, OMIM 602088.

Submissions (2):

3billion
Classification: Pathogenic for Infantile nephronophthisis. Last evaluated: 2024-06-22. Review status: criteria provided, single submitter. Criteria: ACMG Guidelines, 2015. Collection method: clinical testing. Allele origin: germline. Affected: yes.
Comment: The variant is not observed in the gnomAD v4.0.0 dataset. Predicted Consequence/Location: Stop-gained (nonsense): predicted to result in a loss or disruption of normal protein function through nonsense-mediated decay (NMD) or protein truncation. Multiple pathogenic variants are reported downstream of the variant. The variant has been reported to be associated with INVS related disorder (ClinVar ID: VCV002779386). Therefore, this variant is classified as Pathogenic according to the recommendation of ACMG/AMP guideline.

Labcorp Genetics (formerly Invitae), Labcorp
Classification: Pathogenic for Nephronophthisis. Last evaluated: 2023-06-09. Review status: criteria provided, single submitter. Criteria: Invitae Variant Classification Sherloc (09022015). Collection method: clinical testing. Allele origin: germline.
Comment: For these reasons, this variant has been classified as Pathogenic. This variant has not been reported in the literature in individuals affected with INVS-related conditions. This variant is not present in population databases (gnomAD no frequency). This sequence change creates a premature translational stop signal (p.Trp216*) in the INVS gene. It is expected to result in an absent or disrupted protein product. Loss-of-function variants in INVS are known to be pathogenic (PMID: 12872123).

Literature cited by the submitters: PubMed 12872123 (cited by Labcorp Genetics (formerly Invitae), Labcorp).